The following is an entry in ClinVar:

ClinVar aggregate classification (germline): Uncertain significance. Review status: criteria provided, multiple submitters, no conflicts (2 of 4 stars). 2 submissions from 2 submitters: Uncertain significance (2). Last evaluated 2021-09-17.

Conditions:
Loeys-Dietz syndrome 4 (LDS4). Also called: ANEURYSM, AORTIC AND CEREBRAL, WITH ARTERIAL TORTUOSITY AND SKELETAL MANIFESTATIONS; TGFB2-Related Loeys-Dietz Syndrome. Identifiers: MedGen C3553762, MONDO:0013897, OMIM 614816.

Submissions (2):

Fulgent Genetics
Classification: Uncertain significance for Loeys-Dietz syndrome 4. Last evaluated: 2021-09-17. Review status: criteria provided, single submitter. Criteria: ACMG Guidelines, 2015. Collection method: clinical testing. Allele origin: unknown.

Labcorp Genetics (formerly Invitae), Labcorp
Classification: Uncertain significance for Loeys-Dietz syndrome 4. Last evaluated: 2017-08-08. Review status: criteria provided, single submitter. Criteria: Invitae Variant Classification Sherloc (09022015). Collection method: clinical testing. Allele origin: germline.
Comment: This variant is not present in population databases (ExAC no frequency). This sequence change replaces phenylalanine with leucine at codon 112 of the TGFB2 protein (p.Phe112Leu). The phenylalanine residue is moderately conserved and there is a small physicochemical difference between phenylalanine and leucine. This variant has not been reported in the literature in individuals with a TGFB2-related disease. In summary, this variant has uncertain impact on TGFB2 function. The available evidence is currently insufficient to determine its role in disease. Therefore, it has been classified as a Variant of Uncertain Significance. Algorithms developed to predict the effect of missense changes on protein structure and function output the following: SIFT: "Tolerated"; PolyPhen-2: "Benign"; Align-GVGD: "Class C0". The leucine amino acid residue is found in multiple mammalian species, suggesting that this missense change does not adversely affect protein function. These predictions have not been confirmed by published functional studies and their clinical significance is uncertain.

NM_003238.6(TGFB2):c.334T>C (p.Phe112Leu)

Gene: TGFB2 (transforming growth factor beta 2; plus strand). Cytogenetic location: 1q41.
Variant type: single nucleotide variant.
Coding change: c.334T>C on transcript NM_003238.6 (MANE Select); coding-DNA position 334, T replaced by C.
Protein change: p.Phe112Leu; replaces phenylalanine 112 with leucine.
Molecular consequence: missense variant. On other transcripts: non-coding transcript variant (2).
Genome position (GRCh38, 1-based): chr1:218,347,035, T>C. VCF-style: chr1-218347035-T-C. GRCh37 (hg19) VCF-style: chr1-218520377-T-C.
Other names: c.334T>C, p.Phe112Leu (NM_001135599.4); short protein forms F112L.
Identifiers: ClinVar variation 459265 (VCV000459265.12), dbSNP rs1553292141, ClinGen allele CA344725808.
Genomic context (GRCh38, chr1:218,347,035, plus strand): 5'-GAGAGGAGCGACGAAGAGTACTACGCCAAGGAGGTTTACAAAATAGACATGCCGCCCTTC[T>C]TCCCCTCCGAAAGTAAGTACTTATTTTGACTTCCATCCCCTGAGGTTTAGCTCTGCCCGG-3'
Protein context (NP_003229.1, residues 102-122): EVYKIDMPPF[Phe112Leu]PSENAIPPTF